The following is an entry in ClinVar:

ClinVar aggregate classification (germline): Conflicting classifications of pathogenicity. Review status: criteria provided, conflicting classifications (1 of 4 stars). 2 submissions from 2 submitters: Uncertain significance (1); Likely benign (1). Last evaluated 2026-01-09.

Conditions:
Inborn genetic diseases. Identifiers: MedGen C0950123, MeSH D030342.

gnomAD v4.1: 2 of 1,614,230 alleles (0.00012%); highest among the groups gnomAD compares: East Asian, 0.0045%; no homozygotes.

Submissions (2):

Ambry Genetics
Classification: Likely benign for Inborn genetic diseases. Last evaluated: 2026-01-09. Review status: criteria provided, single submitter. Criteria: Ambry Variant Classification Scheme 2023. Collection method: clinical testing. Allele origin: germline.

Labcorp Genetics (formerly Invitae), Labcorp
Classification: Uncertain significance. Last evaluated: 2025-06-27. Review status: criteria provided, single submitter. Criteria: Invitae Variant Classification Sherloc (09022015). Collection method: clinical testing. Allele origin: germline.
Comment: This sequence change replaces phenylalanine, which is neutral and non-polar, with leucine, which is neutral and non-polar, at codon 207 of the MBD4 protein (p.Phe207Leu). This variant is not present in population databases (gnomAD no frequency). This variant has not been reported in the literature in individuals affected with MBD4-related conditions. An algorithm developed to predict the effect of missense changes on protein structure and function outputs the following: PolyPhen-2: "Benign". The leucine amino acid residue is found in multiple mammalian species, which suggests that this missense change does not adversely affect protein function. In summary, the available evidence is currently insufficient to determine the role of this variant in disease. Therefore, it has been classified as a Variant of Uncertain Significance.

NM_001276270.2(MBD4):c.621T>A (p.Phe207Leu)

Gene: MBD4 (methyl-CpG binding domain 4, DNA glycosylase; minus strand). Cytogenetic location: 3q21.3.
Variant type: single nucleotide variant.
Coding change: c.621T>A on transcript NM_001276270.2 (MANE Select); coding-DNA position 621, T replaced by A.
Protein change: p.Phe207Leu; replaces phenylalanine 207 with leucine.
Molecular consequence: missense variant. On other transcripts: intron variant (1).
Genome position (GRCh38, 1-based): chr3:129,437,023, A>T on the plus strand (T>A on the coding strand, the complement: MBD4 is on the minus strand). VCF-style: chr3-129437023-A-T. GRCh37 (hg19) VCF-style: chr3-129155866-A-T.
Other names: c.621T>A, p.Phe207Leu (NM_001276271.2, NM_001276272.2, NM_003925.3); c.247+785T>A (NM_001276273.2); short protein forms F207L.
Identifiers: ClinVar variation 4722173 (VCV004722173.2).